The following is an entry in ClinVar:

NM_015352.2(POFUT1):c.398G>A (p.Arg133Gln)

Gene: POFUT1 (protein O-fucosyltransferase 1; plus strand). Cytogenetic location: 20q11.21.
Variant type: single nucleotide variant.
Coding change: c.398G>A on transcript NM_015352.2 (MANE Select); coding-DNA position 398, G replaced by A.
Protein change: p.Arg133Gln; replaces arginine 133 with glutamine.
Molecular consequence: missense variant.
Genome position (GRCh38, 1-based): chr20:32,215,420, G>A. VCF-style: chr20-32215420-G-A. GRCh37 (hg19) VCF-style: chr20-30803223-G-A.
Other names: c.398G>A, p.Arg133Gln (NM_172236.2); short protein forms R133Q.
Identifiers: ClinVar variation 3702767 (VCV003702767.2).
Genomic context (GRCh38, chr20:32,215,420, plus strand): 5'-CACCCACCCACTGGCCCCCTGAGAAGCGGGTGGCATACTGCTTTGAGGTGGCAGCCCAGC[G>A]AAGCCCAGATAAGAAGACGTGCCCCATGAAGGTGGGTCCTGTGGGTTCGGGGGCCCTTTC-3'
Protein context (NP_056167.1, residues 123-143): VAYCFEVAAQ[Arg133Gln]SPDKKTCPMK

ClinVar aggregate classification (germline): Uncertain significance (1 of 4 stars; one submission).

Conditions:
Dowling-Degos disease 2 (DDD2). Identifiers: Orphanet 79145, MedGen C3809147, MONDO:0014130, OMIM 615327.

gnomAD v4.1: 19 of 1,613,426 alleles (0.0012%); highest among the groups gnomAD compares: African/African-American, 0.0067%; no homozygotes.

Submission:

Labcorp Genetics (formerly Invitae), Labcorp
Classification: Uncertain significance for Dowling-Degos disease 2. Last evaluated: 2024-07-24. Review status: criteria provided, single submitter. Criteria: Invitae Variant Classification Sherloc (09022015). Collection method: clinical testing. Allele origin: germline.
Comment: This sequence change replaces arginine, which is basic and polar, with glutamine, which is neutral and polar, at codon 133 of the POFUT1 protein (p.Arg133Gln). This variant is present in population databases (rs777768127, gnomAD 0.005%). This variant has not been reported in the literature in individuals affected with POFUT1-related conditions. An algorithm developed to predict the effect of missense changes on protein structure and function (PolyPhen-2) suggests that this variant is likely to be disruptive. In summary, the available evidence is currently insufficient to determine the role of this variant in disease. Therefore, it has been classified as a Variant of Uncertain Significance.